The following is an entry in ClinVar:

NM_004519.4(KCNQ3):c.2532dup (p.Phe845fs)

Gene: KCNQ3 (potassium voltage-gated channel subfamily Q member 3; minus strand). Cytogenetic location: 8q24.22.
Variant type: Duplication.
Coding change: c.2532dup on transcript NM_004519.4 (MANE Select); coding-DNA position 2532, one base duplicated (C; older notation c.2532dupC).
Protein change: p.Phe845fs; shifts the reading frame from phenylalanine 845.
Molecular consequence: frameshift variant.
Genome position (GRCh38, 1-based): chr8:132,129,349, G duplicated on the plus strand (C on the coding strand, the reverse complement: KCNQ3 is on the minus strand); the first of 4 consecutive G bases (chr8:132,129,349-132,129,352); duplicating any one gives the same sequence. VCF-style (leftmost placement, unchanged base first): chr8-132129348-A-AG. GRCh37 (hg19) VCF-style: chr8-133141595-A-AG.
Other names: c.2172dup, p.Phe725fs (NM_001204824.2); short protein forms F845fs, F725fs.
Identifiers: ClinVar variation 5008545 (VCV005008545.1).

ClinVar aggregate classification (germline): Uncertain significance (1 of 4 stars; one submission).

Submission:

GeneDx
Classification: Uncertain significance. Last evaluated: 2026-03-07. Review status: criteria provided, single submitter. Criteria: GeneDx Variant Classification Process June 2021. Collection method: clinical testing. Allele origin: germline.
Comment: Frameshift variant predicted to result in abnormal protein length as the last 28 amino acid(s) are replaced with 17 different amino acid(s); Has not been previously published as pathogenic or benign to our knowledge; Not observed at significant frequency in large population cohorts (gnomAD)